The following is an entry in ClinVar:

NM_024844.5(NUP85):c.1934G>A (p.Arg645Gln)

Gene: NUP85 (nucleoporin 85; plus strand). Cytogenetic location: 17q25.1.
Variant type: single nucleotide variant.
Coding change: c.1934G>A on transcript NM_024844.5 (MANE Select); coding-DNA position 1934, G replaced by A.
Protein change: p.Arg645Gln; replaces arginine 645 with glutamine.
Molecular consequence: missense variant.
Genome position (GRCh38, 1-based): chr17:75,235,642, G>A. VCF-style: chr17-75235642-G-A. GRCh37 (hg19) VCF-style: chr17-73231737-G-A.
Other names: c.1796G>A, p.Arg599Gln (NM_001303276.2); c.1799G>A, p.Arg600Gln (NM_001330472.2); short protein forms R599Q, R645Q, R600Q.
Identifiers: ClinVar variation 2523504 (VCV002523504.5), dbSNP rs372841934, ClinGen allele CA8759120.

ClinVar aggregate classification (germline): Uncertain significance. Review status: criteria provided, multiple submitters, no conflicts (2 of 4 stars). 2 submissions from 2 submitters: Uncertain significance (2). Last evaluated 2025-05-18.

Allele frequency attached by ClinVar (database versions not stated): gnomAD 0.00002; ESP Exome Variant Server 0.00008; 1000 Genomes Project 30x 0.00016; 1000 Genomes Project 0.00020.
gnomAD v4.1: 21 of 1,614,022 alleles (0.0013%); highest among the groups gnomAD compares: African/African-American, 0.0067%; no homozygotes.

Submissions (2):

Ambry Genetics
Classification: Uncertain significance. Last evaluated: 2025-05-18. Review status: criteria provided, single submitter. Criteria: Ambry Variant Classification Scheme 2023. Collection method: clinical testing. Allele origin: germline.

Labcorp Genetics (formerly Invitae), Labcorp
Classification: Uncertain significance. Last evaluated: 2024-04-19. Review status: criteria provided, single submitter. Criteria: Invitae Variant Classification Sherloc (09022015). Collection method: clinical testing. Allele origin: germline.
Comment: This sequence change replaces arginine, which is basic and polar, with glutamine, which is neutral and polar, at codon 645 of the NUP85 protein (p.Arg645Gln). This variant is present in population databases (rs372841934, gnomAD 0.007%). This variant has not been reported in the literature in individuals affected with NUP85-related conditions. ClinVar contains an entry for this variant (Variation ID: 2523504). An algorithm developed to predict the effect of missense changes on protein structure and function (PolyPhen-2) suggests that this variant is likely to be tolerated. In summary, the available evidence is currently insufficient to determine the role of this variant in disease. Therefore, it has been classified as a Variant of Uncertain Significance.